The following is an entry in ClinVar:

ClinVar aggregate classification (germline): Uncertain significance (1 of 4 stars; one submission).

Conditions:
Familial thoracic aortic aneurysm and aortic dissection (TAAD). Also called: Thoracic aortic aneurysms and dissections. Identifiers: Orphanet 91387, MedGen C4707243, MONDO:0019625.

Submission:

Color Diagnostics, LLC DBA Color Health
Classification: Uncertain significance for Familial thoracic aortic aneurysm and aortic dissection. Last evaluated: 2024-03-06. Review status: criteria provided, single submitter. Criteria: ACMG Guidelines, 2015. Collection method: clinical testing. Allele origin: germline.
Comment: This missense variant replaces cysteine with arginine at codon 86 of the TGFBR1 protein. Computational prediction suggests that this variant may have deleterious impact on protein structure and function (internally defined REVEL score threshold >= 0.7, PMID: 27666373). To our knowledge, functional studies have not been reported for this variant. This variant has not been reported in individuals affected with cardiovascular disorders in the literature. This variant has not been identified in the general population by the Genome Aggregation Database (gnomAD). The available evidence is insufficient to determine the role of this variant in disease conclusively. Therefore, this variant is classified as a Variant of Uncertain Significance.

NM_004612.4(TGFBR1):c.256T>C (p.Cys86Arg)

Gene: TGFBR1 (transforming growth factor beta receptor 1; plus strand). Cytogenetic location: 9q22.33.
Variant type: single nucleotide variant.
Coding change: c.256T>C on transcript NM_004612.4 (MANE Select); coding-DNA position 256, T replaced by C.
Protein change: p.Cys86Arg; replaces cysteine 86 with arginine.
Molecular consequence: missense variant.
Genome position (GRCh38, 1-based): chr9:99,129,013, T>C. VCF-style: chr9-99129013-T-C. GRCh37 (hg19) VCF-style: chr9-101891295-T-C.
Other names: c.256T>C, p.Cys86Arg (NM_001130916.3, NM_001306210.2); short protein forms C86R.
Identifiers: ClinVar variation 1331798 (VCV001331798.3), dbSNP rs2118570240, ClinGen allele CA374225983.
Genomic context (GRCh38, chr9:99,129,013, plus strand): 5'-ATACACAACAGCATGTGTATAGCTGAAATTGACTTAATTCCTCGAGATAGGCCGTTTGTA[T>C]GTGCACCCTCTTCAAAAACTGGGTCTGTGACTACAACATATTGCTGCAATCAGGACCATT-3'
Protein context (NP_004603.1, residues 76-96): DLIPRDRPFV[Cys86Arg]APSSKTGSVT